The following is an entry in ClinVar:

NM_000372.5(TYR):c.580A>G (p.Ile194Val)

Gene: TYR (tyrosinase; plus strand). Cytogenetic location: 11q14.3.
Variant type: single nucleotide variant.
Coding change: c.580A>G on transcript NM_000372.5 (MANE Select); coding-DNA position 580, A replaced by G.
Protein change: p.Ile194Val; replaces isoleucine 194 with valine.
Molecular consequence: missense variant.
Genome position (GRCh38, 1-based): chr11:89,178,533, A>G. VCF-style: chr11-89178533-A-G. GRCh37 (hg19) VCF-style: chr11-88911701-A-G.
Other names: short protein forms I194V.
Identifiers: ClinVar variation 1933203 (VCV001933203.5), dbSNP rs1943258578, ClinGen allele CA382034780.
Genomic context (GRCh38, chr11:89,178,533, plus strand): 5'-GACCTCTTTGTCTGGATGCATTATTATGTGTCAATGGATGCACTGCTTGGGGGATCTGAA[A>G]TCTGGAGAGACATTGATTTTGCCCATGAAGCACCAGCTTTTCTGCCTTGGCATAGACTCT-3'
Protein context (NP_000363.1, residues 184-204): SMDALLGGSE[Ile194Val]WRDIDFAHEA

ClinVar aggregate classification (germline): Uncertain significance (1 of 4 stars; one submission).

Allele frequency attached by ClinVar (database versions not stated): gnomAD exomes below 0.00001.
gnomAD v4.1: 1 of 1,614,144 alleles (0.000062%); highest among the groups gnomAD compares: Non-Finnish European, 0.000085%; no homozygotes.

Submission:

Labcorp Genetics (formerly Invitae), Labcorp
Classification: Uncertain significance. Last evaluated: 2022-10-25. Review status: criteria provided, single submitter. Criteria: Invitae Variant Classification Sherloc (09022015). Collection method: clinical testing. Allele origin: germline.
Comment: Advanced modeling of protein sequence and biophysical properties (such as structural, functional, and spatial information, amino acid conservation, physicochemical variation, residue mobility, and thermodynamic stability) performed at Invitae indicates that this missense variant is not expected to disrupt TYR protein function. This variant has not been reported in the literature in individuals affected with TYR-related conditions. This variant is not present in population databases (gnomAD no frequency). This sequence change replaces isoleucine, which is neutral and non-polar, with valine, which is neutral and non-polar, at codon 194 of the TYR protein (p.Ile194Val). In summary, the available evidence is currently insufficient to determine the role of this variant in disease. Therefore, it has been classified as a Variant of Uncertain Significance.